The following is an entry in ClinVar:

NM_004415.4(DSP):c.8094C>T (p.Phe2698=)

Gene: DSP (desmoplakin; plus strand). Cytogenetic location: 6p24.3.
Variant type: single nucleotide variant.
Coding change: c.8094C>T on transcript NM_004415.4 (MANE Select); coding-DNA position 8094, C replaced by T.
Protein change: p.Phe2698=; no amino-acid change (phenylalanine 2698 retained).
Molecular consequence: synonymous variant.
Genome position (GRCh38, 1-based): chr6:7,585,356, C>T. VCF-style: chr6-7585356-C-T. GRCh37 (hg19) VCF-style: chr6-7585589-C-T.
Other names: c.6297C>T, p.Phe2099= (NM_001008844.3); c.6765C>T, p.Phe2255= (NM_001319034.2).
Identifiers: ClinVar variation 928051 (VCV000928051.6), dbSNP rs1201885200, ClinGen allele CA448717026.

ClinVar aggregate classification (germline): Likely benign. Review status: criteria provided, multiple submitters, no conflicts (2 of 4 stars). 3 submissions from 3 submitters: Likely benign (3). Last evaluated 2026-01-05.

Conditions:
Cardiomyopathy (CMYO). Also called: Cardiomyopathies. Identifiers: Orphanet 167848, MedGen C0878544, MONDO:0004994, HP:0001638. Inheritance: Various modes of inheritance.
Arrhythmogenic cardiomyopathy with wooly hair and keratoderma. Also called: PALMOPLANTAR KERATODERMA WITH LEFT VENTRICULAR CARDIOMYOPATHY AND WOOLLY HAIR; Carvajal syndrome; Dilated cardiomyopathy with woolly hair and keratoderma; Arrhythmogenic cardiomyopathy with woolly hair and keratoderma. Identifiers: Orphanet 65282, MedGen C1854063, MONDO:0011581, OMIM 605676.
Arrhythmogenic right ventricular dysplasia 8 (ARVD8). Also called: ARRHYTHMOGENIC RIGHT VENTRICULAR DYSPLASIA, FAMILIAL, 8; Arrhythmogenic Right Ventricular Dysplasia/Cardiomyopathy 8; ARRHYTHMOGENIC RIGHT VENTRICULAR CARDIOMYOPATHY 8. Identifiers: MedGen C1843896, MONDO:0011831, OMIM 607450.

Allele frequency attached by ClinVar (database versions not stated): gnomAD exomes below 0.00001; gnomAD 0.00001.
gnomAD v4.1: 2 of 1,613,974 alleles (0.00012%); highest among the groups gnomAD compares: African/African-American, 0.0027%; no homozygotes.

Submissions (3):

Labcorp Genetics (formerly Invitae), Labcorp
Classification: Likely benign for Arrhythmogenic cardiomyopathy with wooly hair and keratoderma; Arrhythmogenic right ventricular dysplasia 8. Last evaluated: 2026-01-05. Review status: criteria provided, single submitter. Criteria: Invitae Variant Classification Sherloc (09022015). Collection method: clinical testing. Allele origin: germline.

All of Us Research Program, National Institutes of Health
Classification: Likely benign for Arrhythmogenic cardiomyopathy with wooly hair and keratoderma. Last evaluated: 2023-06-26. Review status: criteria provided, single submitter. Criteria: ACMG Guidelines, 2015. Collection method: clinical testing. Allele origin: germline. Inheritance: Autosomal dominant inheritance. Observed: 2 variant alleles, 2 heterozygotes.
Comment: This study involves interpretation of variants in research participants for the purpose of population health screening. Participant phenotype was not available at the time of variant classification. Additional details can be found in publication PMID: 35346344, PMCID: PMC8962531

Color Diagnostics, LLC DBA Color Health
Classification: Likely benign for Cardiomyopathy. Last evaluated: 2019-05-28. Review status: criteria provided, single submitter. Criteria: ACMG Guidelines, 2015. Collection method: clinical testing. Allele origin: germline.